The following is an entry in ClinVar:

NM_004795.4(KL):c.2296G>A (p.Gly766Ser)

Gene: KL (klotho; plus strand). Cytogenetic location: 13q13.1.
Variant type: single nucleotide variant.
Coding change: c.2296G>A on transcript NM_004795.4 (MANE Select); coding-DNA position 2296, G replaced by A.
Protein change: p.Gly766Ser; replaces glycine 766 with serine.
Molecular consequence: missense variant.
Genome position (GRCh38, 1-based): chr13:33,061,375, G>A. VCF-style: chr13-33061375-G-A. GRCh37 (hg19) VCF-style: chr13-33635512-G-A.
Other names: short protein forms G766S.
Identifiers: ClinVar variation 881480 (VCV000881480.15), dbSNP rs114752661, ClinGen allele CA6944287.

ClinVar aggregate classification (germline): Benign/Likely benign. Review status: criteria provided, multiple submitters, no conflicts (2 of 4 stars). 6 submissions from 6 submitters: Benign (1); Likely benign (3). 2 of the submissions do not count toward it. Last evaluated 2025-12-08.

Conditions:
KL-related disorder. Also called: KL-related condition.
Tumoral calcinosis, hyperphosphatemic, familial, 3. Identifiers: MedGen C4693864, MONDO:0060715, OMIM 617994.

Allele frequency attached by ClinVar (database versions not stated): TOPMed 0.00154; 1000 Genomes Project 0.00200; 1000 Genomes Project 30x 0.00203; ESP Exome Variant Server 0.00223.
gnomAD v4.1: 570 of 1,614,112 alleles (0.035%); highest among the groups gnomAD compares: African/African-American, 0.62%; 1 homozygote.

Submissions (6):

Labcorp Genetics (formerly Invitae), Labcorp
Classification: Benign. Last evaluated: 2025-12-08. Review status: criteria provided, single submitter. Criteria: Invitae Variant Classification Sherloc (09022015). Collection method: clinical testing. Allele origin: germline.

Blueprint Genetics
Classification: Likely benign. Last evaluated: 2024-11-14. Review status: criteria provided, single submitter. Criteria: ACMG Guidelines, 2015. Collection method: clinical testing. Allele origin: germline.

Illumina Laboratory Services, Illumina
Classification: Likely benign for Tumoral calcinosis, hyperphosphatemic, familial, 3. Last evaluated: 2018-01-12. Review status: criteria provided, single submitter. Criteria: ICSL Variant Classification Criteria 13 December 2019. Collection method: clinical testing. Allele origin: germline.
Comment: This variant was observed in the ICSL laboratory as part of a predisposition screen in an ostensibly healthy population. It had not been previously curated by ICSL or reported in the Human Gene Mutation Database (HGMD: prior to June 1st, 2018), and was therefore a candidate for classification through an automated scoring system. Utilizing variant allele frequency, disease prevalence and penetrance estimates, and inheritance mode, an automated score was calculated to assess if this variant is too frequent to cause the disease. Based on the score and internal cut-off values, a variant classified as likely benign is not then subjected to further curation. The score for this variant resulted in a classification of likely benign for this disease.

Breakthrough Genomics
Classification: Likely benign. Review status: criteria provided, single submitter. Criteria: ACMG Guidelines, 2015. Collection method: not provided. Allele origin: germline. Inheritance: Autosomal recessive inheritance. Affected: yes.

PreventionGenetics, part of Exact Sciences
Classification: Likely benign for KL-related condition. Last evaluated: 2019-06-18. Review status: no assertion criteria provided. Collection method: clinical testing. Allele origin: germline. Not counted in ClinVar's aggregate classification.
Comment: This variant is classified as likely benign based on ACMG/AMP sequence variant interpretation guidelines (Richards et al. 2015 PMID: 25741868, with internal and published modifications).

Department of Pathology and Laboratory Medicine, Sinai Health System
Classification: Uncertain significance. Review status: no assertion criteria provided. Collection method: clinical testing. Allele origin: unknown. Affected: yes. Study: The Canadian Open Genetics Repository (COGR). Not counted in ClinVar's aggregate classification.
Comment: The KL p.Gly766Ser variant was not identified in the literature nor was it identified in ClinVar, Cosmic or LOVD 3.0. The variant was identified in dbSNP (ID: rs114752661) and in control databases in 180 of 282632 chromosomes (1 homozygous) at a frequency of 0.000637 increasing the likelihood this could be a low frequency benign variant (Genome Aggregation Database Feb 27, 2017). The variant was observed in the following populations: African in 154 of 24838 chromosomes (freq: 0.0062), Latino in 15 of 35436 chromosomes (freq: 0.000423), Other in 3 of 7210 chromosomes (freq: 0.000416) and European (non-Finnish) in 8 of 129098 chromosomes (freq: 0.000062); it was not observed in the Ashkenazi Jewish, East Asian, European (Finnish) or South Asian populations. The p.Gly766 residue is conserved in mammals and computational analyses (PolyPhen-2, SIFT, AlignGVGD, BLOSUM, MutationTaster) provide inconsistent predictions regarding the impact to the protein; this information is not very predictive of pathogenicity. The variant occurs outside of the splicing consensus sequence and in silico or computational prediction software programs (SpliceSiteFinder, MaxEntScan, NNSPLICE, GeneSplicer) do not predict a change in splicing. In summary, based on the above information the clinical significance of this variant cannot be determined with certainty at this time. This variant is classified as a variant of uncertain significance.